The following is an entry in ClinVar:

NM_138576.4(BCL11B):c.1978C>T (p.Pro660Ser)

Gene: BCL11B (BCL11 transcription factor B; minus strand). Cytogenetic location: 14q32.2.
Variant type: single nucleotide variant.
Coding change: c.1978C>T on transcript NM_138576.4 (MANE Select); coding-DNA position 1978, C replaced by T.
Protein change: p.Pro660Ser; replaces proline 660 with serine.
Molecular consequence: missense variant.
Genome position (GRCh38, 1-based): chr14:99,174,858, G>A on the plus strand (C>T on the coding strand, the complement: BCL11B is on the minus strand). VCF-style: chr14-99174858-G-A. GRCh37 (hg19) VCF-style: chr14-99641195-G-A.
Other names: c.1975C>T, p.Pro659Ser (NM_001282237.2); c.1762C>T, p.Pro588Ser (NM_001282238.2); c.1765C>T, p.Pro589Ser (NM_022898.3); short protein forms P589S, P660S, P588S, P659S.
Identifiers: ClinVar variation 1391504 (VCV001391504.6), dbSNP rs1886425758, ClinGen allele CA390934211.
Genomic context (GRCh38, chr14:99,174,858, plus strand): 5'-CGGGGCTGGGCAGCGGCGCGGGCTTGCGCGGGAAGAGCCCGGGGAAGGGCTCGGTGCCTG[G>A]CGCGAAGCCGCCCCCGCGCCCGTTGACCGCGCCGCCCGCGCCCGCGTCCCCGCAGCCGCC-3'
Protein context (NP_612808.1, residues 650-670): AVNGRGGGFA[Pro660Ser]GTEPFPGLFP

ClinVar aggregate classification (germline): Uncertain significance (1 of 4 stars; one submission).

Submission:

Labcorp Genetics (formerly Invitae), Labcorp
Classification: Uncertain significance. Last evaluated: 2026-01-26. Review status: criteria provided, single submitter. Criteria: Invitae Variant Classification Sherloc (09022015). Collection method: clinical testing. Allele origin: germline.
Comment: This sequence change replaces proline, which is neutral and non-polar, with serine, which is neutral and polar, at codon 660 of the BCL11B protein (p.Pro660Ser). The frequency data for this variant in the population databases is considered unreliable, as metrics indicate insufficient coverage at this position in the gnomAD database. This variant has not been reported in the literature in individuals affected with BCL11B-related conditions. ClinVar contains an entry for this variant (Variation ID: 1391504). Invitae Evidence Modeling of protein sequence and biophysical properties (such as structural, functional, and spatial information, amino acid conservation, physicochemical variation, residue mobility, and thermodynamic stability) indicates that this missense variant is not expected to disrupt BCL11B protein function with a negative predictive value of 95%. In summary, the available evidence is currently insufficient to determine the role of this variant in disease. Therefore, it has been classified as a Variant of Uncertain Significance.